The following is an entry in ClinVar:

ClinVar aggregate classification (germline): Likely benign. Review status: criteria provided, multiple submitters, no conflicts (2 of 4 stars). 4 submissions from 4 submitters: Likely benign (4). Last evaluated 2026-01-22.

Conditions:
Inborn genetic diseases. Identifiers: MedGen C0950123, MeSH D030342.

Allele frequency attached by ClinVar (database versions not stated): gnomAD exomes 0.00020 and 0.00055; ExAC 0.00066; 1000 Genomes Project 0.00180; 1000 Genomes Project 30x 0.00187; gnomAD 0.00215 and 0.00226; ESP Exome Variant Server 0.00222; TOPMed 0.00240.

Submissions (4):

Labcorp Genetics (formerly Invitae), Labcorp
Classification: Likely benign. Last evaluated: 2026-01-22. Review status: criteria provided, single submitter. Criteria: Invitae Variant Classification Sherloc (09022015). Collection method: clinical testing. Allele origin: germline.

CeGaT Center for Human Genetics Tuebingen
Classification: Likely benign. Last evaluated: 2025-01-01. Review status: criteria provided, single submitter. Criteria: CeGaT Center For Human Genetics Tuebingen Variant Classification Criteria Version 2. Collection method: clinical testing. Allele origin: germline. Affected: yes. Observed: 1 variant allele.
Comment: SPEG: BP4, BS2

Blueprint Genetics
Classification: Likely benign. Last evaluated: 2024-11-13. Review status: criteria provided, single submitter. Criteria: ACMG Guidelines, 2015. Collection method: clinical testing. Allele origin: germline.

Ambry Genetics
Classification: Likely benign for Inborn genetic diseases. Last evaluated: 2022-06-13. Review status: criteria provided, single submitter. Criteria: Ambry Variant Classification Scheme 2023. Collection method: clinical testing. Allele origin: germline.

NM_005876.5(SPEG):c.5722A>G (p.Met1908Val)

Genes: ASIC4-AS1 (ASIC4 antisense RNA 1; minus strand), SPEG (striated muscle enriched protein kinase; plus strand). Cytogenetic location: 2q35.
Variant type: single nucleotide variant.
Coding change: c.5722A>G on transcript NM_005876.5 (MANE Select); coding-DNA position 5722, A replaced by G.
Protein change: p.Met1908Val; replaces methionine 1908 with valine.
Molecular consequence: missense variant.
Genome position (GRCh38, 1-based): chr2:219,483,185, A>G. VCF-style: chr2-219483185-A-G. GRCh37 (hg19) VCF-style: chr2-220347907-A-G.
Other names: short protein forms M1908V.
Identifiers: ClinVar variation 730536 (VCV000730536.25), dbSNP rs200747365, ClinGen allele CA2126938.